The following is an entry in ClinVar:

NM_021116.4(ADCY1):c.217G>A (p.Gly73Ser)

Genes: ADCY1 (adenylate cyclase 1; plus strand), LOC129998402 (ATAC-STARR-seq lymphoblastoid silent region 18165; plus strand). Cytogenetic location: 7p12.3.
Variant type: single nucleotide variant.
Coding change: c.217G>A on transcript NM_021116.4 (MANE Select); coding-DNA position 217, G replaced by A.
Protein change: p.Gly73Ser; replaces glycine 73 with serine.
Molecular consequence: missense variant. On other transcripts: intron variant (1).
Genome position (GRCh38, 1-based): chr7:45,574,760, G>A. VCF-style: chr7-45574760-G-A. GRCh37 (hg19) VCF-style: chr7-45614359-G-A.
Other names: c.-330-129G>A (NM_001281768.2); short protein forms G73S.
Identifiers: ClinVar variation 2956608 (VCV002956608.4), dbSNP rs544024276, ClinGen allele CA158280906.

ClinVar aggregate classification (germline): Uncertain significance. Review status: criteria provided, multiple submitters, no conflicts (2 of 4 stars). 2 submissions from 2 submitters: Uncertain significance (2). Last evaluated 2024-10-03.

Allele frequency attached by ClinVar (database versions not stated): gnomAD 0.00006; TOPMed 0.00007; gnomAD exomes 0.00009; 1000 Genomes Project 0.00020; 1000 Genomes Project 30x 0.00031.
gnomAD v4.1: 119 of 1,434,204 alleles (0.0083%); highest among the groups gnomAD compares: Non-Finnish European, 0.011%; no homozygotes.

Submissions (2):

Blueprint Genetics
Classification: Uncertain significance. Last evaluated: 2024-10-03. Review status: criteria provided, single submitter. Criteria: ACMG Guidelines, 2015. Collection method: clinical testing. Allele origin: germline.

Labcorp Genetics (formerly Invitae), Labcorp
Classification: Uncertain significance. Last evaluated: 2023-05-15. Review status: criteria provided, single submitter. Criteria: Invitae Variant Classification Sherloc (09022015). Collection method: clinical testing. Allele origin: germline.
Comment: This sequence change replaces glycine, which is neutral and non-polar, with serine, which is neutral and polar, at codon 73 of the ADCY1 protein (p.Gly73Ser). This variant is present in population databases (rs544024276, gnomAD 0.01%). This variant has not been reported in the literature in individuals affected with ADCY1-related conditions. Advanced modeling of protein sequence and biophysical properties (such as structural, functional, and spatial information, amino acid conservation, physicochemical variation, residue mobility, and thermodynamic stability) performed at Invitae indicates that this missense variant is not expected to disrupt ADCY1 protein function. In summary, the available evidence is currently insufficient to determine the role of this variant in disease. Therefore, it has been classified as a Variant of Uncertain Significance.